The following is an entry in ClinVar:

ClinVar aggregate classification (germline): Uncertain significance (1 of 4 stars; one submission).

Conditions:
Peroxisome biogenesis disorder 3A (Zellweger). Also called: PEROXISOMAL BIOGENESIS DISORDER 3A (ZELLWEGER); Peroxisome biogenesis disorder 3A. Identifiers: Orphanet 912, MedGen C3553929, MONDO:0013927, OMIM 614859.

Allele frequency attached by ClinVar (database versions not stated): ExAC 0.00002; gnomAD 0.00003.
gnomAD v4.1: 22 of 1,613,978 alleles (0.0014%); highest among the groups gnomAD compares: South Asian, 0.0033%; no homozygotes.

Submission:

Labcorp Genetics (formerly Invitae), Labcorp
Classification: Uncertain significance for Peroxisome biogenesis disorder 3A (Zellweger). Last evaluated: 2022-06-01. Review status: criteria provided, single submitter. Criteria: Invitae Variant Classification Sherloc (09022015). Collection method: clinical testing. Allele origin: germline.
Comment: This sequence change replaces threonine, which is neutral and polar, with isoleucine, which is neutral and non-polar, at codon 78 of the PEX12 protein (p.Thr78Ile). This variant is present in population databases (rs759749799, gnomAD 0.006%). This variant has not been reported in the literature in individuals affected with PEX12-related conditions. Algorithms developed to predict the effect of missense changes on protein structure and function (SIFT, PolyPhen-2, Align-GVGD) all suggest that this variant is likely to be tolerated. In summary, the available evidence is currently insufficient to determine the role of this variant in disease. Therefore, it has been classified as a Variant of Uncertain Significance.

NM_000286.3(PEX12):c.233C>T (p.Thr78Ile)

Gene: PEX12 (peroxisomal biogenesis factor 12; minus strand). Cytogenetic location: 17q12.
Variant type: single nucleotide variant.
Coding change: c.233C>T on transcript NM_000286.3 (MANE Select); coding-DNA position 233, C replaced by T.
Protein change: p.Thr78Ile; replaces threonine 78 with isoleucine.
Molecular consequence: missense variant.
Genome position (GRCh38, 1-based): chr17:35,577,485, G>A on the plus strand (C>T on the coding strand, the complement: PEX12 is on the minus strand). VCF-style: chr17-35577485-G-A. GRCh37 (hg19) VCF-style: chr17-33904504-G-A.
Other names: short protein forms T78I.
Identifiers: ClinVar variation 2144919 (VCV002144919.1), dbSNP rs759749799, ClinGen allele CA8504942.